The following is an entry in ClinVar:

ClinVar aggregate classification (germline): Conflicting classifications of pathogenicity. Review status: criteria provided, conflicting classifications (1 of 4 stars). 5 submissions from 5 submitters: Pathogenic (1); Likely pathogenic (3); Uncertain significance (1). Last evaluated 2025-12-14.

Conditions:
CCDC39-related disorder. Also called: CCDC39-related condition.
Primary ciliary dyskinesia. Also called: Ciliary dyskinesia. Identifiers: Orphanet 244, MedGen C0008780, MONDO:0016575, HP:0012265.
Primary ciliary dyskinesia 14. Also called: CILIARY DYSKINESIA, PRIMARY, 14, WITH OR WITHOUT SITUS INVERSUS. Identifiers: Orphanet 244, MedGen C3151136, MONDO:0013434, OMIM 613807.

Allele frequency attached by ClinVar (database versions not stated): gnomAD 0.00005 and 0.00006; TOPMed 0.00006; ExAC 0.00009.
gnomAD v4.1: 79 of 1,569,294 alleles (0.005%); highest among the groups gnomAD compares: Non-Finnish European, 0.0066%; no homozygotes.

Submissions (5):

Labcorp Genetics (formerly Invitae), Labcorp
Classification: Pathogenic for Primary ciliary dyskinesia. Last evaluated: 2025-12-14. Review status: criteria provided, single submitter. Criteria: Invitae Variant Classification Sherloc (09022015). Collection method: clinical testing. Allele origin: germline.
Comment: This sequence change replaces serine, which is neutral and polar, with isoleucine, which is neutral and non-polar, at codon 625 of the CCDC39 protein (p.Ser625Ile). This variant also falls at the last nucleotide of exon 13, which is part of the consensus splice site for this exon. This variant is present in population databases (rs769223754, gnomAD 0.01%). This missense change has been observed in individual(s) with primary ciliary dyskinesia (internal data). ClinVar contains an entry for this variant (Variation ID: 228475). An algorithm developed to predict the effect of missense changes on protein structure and function (PolyPhen-2) suggests that this variant is likely to be disruptive. Variants that disrupt the consensus splice site are a relatively common cause of aberrant splicing (PMID: 17576681, 9536098). Algorithms developed to predict the effect of sequence changes on RNA splicing suggest that this variant may disrupt the consensus splice site. For these reasons, this variant has been classified as Pathogenic.

Fulgent Genetics
Classification: Likely pathogenic for Primary ciliary dyskinesia 14. Last evaluated: 2024-03-05. Review status: criteria provided, single submitter. Criteria: ACMG Guidelines, 2015. Collection method: clinical testing. Allele origin: germline.

PreventionGenetics, part of Exact Sciences
Classification: Likely pathogenic for CCDC39-related condition. Last evaluated: 2023-05-10. Review status: criteria provided, single submitter. Criteria: ACMG Guidelines, 2015. Collection method: clinical testing. Allele origin: germline.
Comment: The CCDC39 c.1874G>T variant is predicted to result in the amino acid substitution p.Ser625Ile. To our knowledge, this variant has not been reported in the literature. This variant occurs at the last nucleotide of exon 13 in CCDC39 and is predicted to weaken the canonical splice donor site based on available splicing prediction programs (Alamut Visual v1.6.1). This variant is reported in 0.013% of alleles in individuals of European (non-Finnish) descent in gnomAD. This variant is classified as likely pathogenic.

Ambry Genetics
Classification: Likely pathogenic for Primary ciliary dyskinesia. Last evaluated: 2019-07-30. Review status: criteria provided, single submitter. Criteria: Ambry Variant Classification Scheme 2023. Collection method: clinical testing. Allele origin: germline.
Comment: The p.S625I variant (also known as c.1874G>T), located in coding exon 13 of the CCDC39 gene, results from a G to T substitution at nucleotide position 1874. The amino acid change results in serine to isoleucine at codon 625, an amino acid with dissimilar properties. However, this change occurs in the last base pair of coding exon 13, which makes it likely to have some effect on normal mRNA splicing. This alteration has been detected in trans with a pathogenic mutation in CCDC39 by our laboratory. Both the nucleotide and amino acid positions are highly conserved in available vertebrate species. Using the BDGP and ESEfinder splice site prediction tools, this alteration is predicted to abolish the native splice donor site; however, direct evidence is unavailable. Based on the majority of available evidence to date, this variant is likely to be pathogenic.

Laboratory for Molecular Medicine, Mass General Brigham Personalized Medicine
Classification: Uncertain significance. Last evaluated: 2016-01-29. Review status: criteria provided, single submitter. Criteria: LMM Criteria. Collection method: clinical testing. Allele origin: germline. Observed: 1 variant allele.
Comment: The p.Ser625Ile variant in CCDC39 has not been previously reported in individual s with pulmonary disease, but has been identified in 10/65788 European chromosom es by the Exome Aggregation Consortium (ExAC; db SNP rs769223754). Computational prediction tools and conservation analysis sugge st that the p.Ser625Ile variant may impact the protein, though this information is not predictive enough to determine pathogenicity. This variant is located in the last three bases of the exon, which is part of the 5? splice region. Computa tional tools do not suggest an impact to splicing. However, this information is not predictive enough to rule out pathogenicity. In summary, the clinical signif icance of the p.Ser625Ile variant is uncertain.

Literature cited by the submitters: PubMed 17576681 (cited by Labcorp Genetics (formerly Invitae), Labcorp); PubMed 9536098 (cited by Labcorp Genetics (formerly Invitae), Labcorp).

NM_181426.2(CCDC39):c.1874G>T (p.Ser625Ile)

Gene: CCDC39 (coiled-coil domain 39 molecular ruler complex subunit; minus strand). Cytogenetic location: 3q26.33.
Variant type: single nucleotide variant.
Coding change: c.1874G>T on transcript NM_181426.2 (MANE Select); coding-DNA position 1874, G replaced by T.
Protein change: p.Ser625Ile; replaces serine 625 with isoleucine.
Molecular consequence: missense variant.
Genome position (GRCh38, 1-based): chr3:180,641,993, C>A on the plus strand (G>T on the coding strand, the complement: CCDC39 is on the minus strand). VCF-style: chr3-180641993-C-A. GRCh37 (hg19) VCF-style: chr3-180359781-C-A.
Other names: short protein forms S625I.
Identifiers: ClinVar variation 228475 (VCV000228475.17), dbSNP rs769223754, ClinGen allele CA2715852.